The following is an entry in ClinVar:

NM_001903.5(CTNNA1):c.33C>A (p.Phe11Leu)

Gene: CTNNA1 (catenin alpha 1; plus strand). Cytogenetic location: 5q31.2.
Variant type: single nucleotide variant.
Coding change: c.33C>A on transcript NM_001903.5 (MANE Select); coding-DNA position 33, C replaced by A.
Protein change: p.Phe11Leu; replaces phenylalanine 11 with leucine.
Molecular consequence: missense variant. On other transcripts: 5 prime UTR variant (2).
Genome position (GRCh38, 1-based): chr5:138,781,957, C>A. VCF-style: chr5-138781957-C-A. GRCh37 (hg19) VCF-style: chr5-138117646-C-A.
Other names: c.33C>A, p.Phe11Leu (NM_001290307.3, NM_001323982.2, NM_001323983.1 and 3 more transcripts); c.-81C>A (NM_001290309.3); c.-174C>A (NM_001290310.3); c.33C>A (NM_001903.2); short protein forms F11L.
Identifiers: ClinVar variation 2695022 (VCV002695022.4), dbSNP rs2532170351, ClinGen allele CA361477089.

ClinVar aggregate classification (germline): Uncertain significance. Review status: criteria provided, multiple submitters, no conflicts (2 of 4 stars). 2 submissions from 2 submitters: Uncertain significance (2). Last evaluated 2026-02-18.

Conditions:
Hereditary cancer-predisposing syndrome. Also called: Tumor predisposition; Hereditary Cancer Syndrome; Hereditary neoplastic syndrome; Neoplastic Syndromes, Hereditary. Identifiers: Orphanet 140162, MedGen C0027672, MeSH D009386, MONDO:0015356.

Submissions (2):

Ambry Genetics
Classification: Uncertain significance for Hereditary cancer-predisposing syndrome. Last evaluated: 2026-02-18. Review status: criteria provided, single submitter. Criteria: Ambry Variant Classification Scheme 2023. Collection method: clinical testing. Allele origin: germline.
Comment: The p.F11L variant (also known as c.33C>A), located in coding exon 1 of the CTNNA1 gene, results from a C to A substitution at nucleotide position 33. The phenylalanine at codon 11 is replaced by leucine, an amino acid with highly similar properties. This amino acid position is highly conserved in available vertebrate species. In addition, the in silico prediction for this alteration is inconclusive. Based on the available evidence, the clinical significance of this variant remains unclear.

Labcorp Genetics (formerly Invitae), Labcorp
Classification: Uncertain significance. Last evaluated: 2023-11-11. Review status: criteria provided, single submitter. Criteria: Invitae Variant Classification Sherloc (09022015). Collection method: clinical testing. Allele origin: germline.
Comment: This sequence change replaces phenylalanine, which is neutral and non-polar, with leucine, which is neutral and non-polar, at codon 11 of the CTNNA1 protein (p.Phe11Leu). This variant is not present in population databases (gnomAD no frequency). This variant has not been reported in the literature in individuals affected with CTNNA1-related conditions. Advanced modeling of protein sequence and biophysical properties (such as structural, functional, and spatial information, amino acid conservation, physicochemical variation, residue mobility, and thermodynamic stability) performed at Invitae indicates that this missense variant is not expected to disrupt CTNNA1 protein function with a negative predictive value of 80%. In summary, the available evidence is currently insufficient to determine the role of this variant in disease. Therefore, it has been classified as a Variant of Uncertain Significance.